The following is an entry in ClinVar:

ClinVar aggregate classification (germline): Uncertain significance (1 of 4 stars; one submission).

gnomAD v4.1: 4 of 1,611,642 alleles (0.00025%); highest among the groups gnomAD compares: African/African-American, 0.0027%; no homozygotes.

Submission:

Labcorp Genetics (formerly Invitae), Labcorp
Classification: Uncertain significance. Last evaluated: 2023-08-24. Review status: criteria provided, single submitter. Criteria: Invitae Variant Classification Sherloc (09022015). Collection method: clinical testing. Allele origin: germline.
Comment: ClinVar contains an entry for this variant (Variation ID: 2068639). In summary, the available evidence is currently insufficient to determine the role of this variant in disease. Therefore, it has been classified as a Variant of Uncertain Significance. An algorithm developed to predict the effect of missense changes on protein structure and function (PolyPhen-2) suggests that this variant is likely to be tolerated. This variant has not been reported in the literature in individuals affected with TAOK2-related conditions. This variant is present in population databases (no rsID available, gnomAD 0.007%). This sequence change replaces aspartic acid, which is acidic and polar, with glutamic acid, which is acidic and polar, at codon 658 of the TAOK2 protein (p.Asp658Glu).

NM_016151.4(TAOK2):c.1974C>A (p.Asp658Glu)

Gene: TAOK2 (TAO kinase 2; plus strand). Cytogenetic location: 16p11.2.
Variant type: single nucleotide variant.
Coding change: c.1974C>A on transcript NM_016151.4 (MANE Select); coding-DNA position 1974, C replaced by A.
Protein change: p.Asp658Glu; replaces aspartic acid 658 with glutamic acid.
Molecular consequence: missense variant.
Genome position (GRCh38, 1-based): chr16:29,985,843, C>A. VCF-style: chr16-29985843-C-A. GRCh37 (hg19) VCF-style: chr16-29997164-C-A.
Other names: c.1974C>A, p.Asp658Glu (NM_001252043.2, NM_004783.4); short protein forms D658E.
Identifiers: ClinVar variation 2068639 (VCV002068639.4), dbSNP rs1327843933, ClinGen allele CA395488174.
Genomic context (GRCh38, chr16:29,985,843, plus strand): 5'-CTTTGAGCTGCAGTGTCGCCAGTACAAGCGCAAGATGTTGCTGGCTCGGCACAGCCTGGA[C>A]CAGGACCTGCTGCGGGAGGTAGGCATCCCAATCTCTGTTCCCCTCCCGCTCACTCGTGGA-3'
Protein context (NP_057235.2, residues 648-668): RKMLLARHSL[Asp658Glu]QDLLREDLNK